The following is an entry in ClinVar:

NM_003718.5(CDK13):c.1783G>T (p.Glu595Ter)

Gene: CDK13 (cyclin dependent kinase 13; plus strand). Cytogenetic location: 7p14.1.
Variant type: single nucleotide variant.
Coding change: c.1783G>T on transcript NM_003718.5 (MANE Select); coding-DNA position 1783, G replaced by T.
Protein change: p.Glu595Ter; replaces glutamic acid 595 with a stop codon.
Molecular consequence: nonsense.
Genome position (GRCh38, 1-based): chr7:39,988,170, G>T. VCF-style: chr7-39988170-G-T. GRCh37 (hg19) VCF-style: chr7-40027769-G-T.
Other names: c.1783G>T, p.Glu595Ter (NM_031267.4); short protein forms E595*.
Identifiers: ClinVar variation 3066156 (VCV003066156.1), dbSNP rs2116268939, ClinGen allele CA367284686.
Genomic context (GRCh38, chr7:39,988,170, plus strand): 5'-GAGGAATCAGTATCTCTTAAAGAGAAAACCAAACCACTTACACCAAGCATAGGAGCCAAG[G>T]AGAAGGAGCAACATGTAGCTTTAGTCACCTCTACATTACCACCGTTACCTTTGCCTCCCA-3'

ClinVar aggregate classification (germline): Pathogenic (1 of 4 stars; one submission).

Conditions:
Congenital heart defects, dysmorphic facial features, and intellectual developmental disorder (CHDFIDD). Identifiers: Orphanet 646278, MedGen C4479246, MONDO:0044302, OMIM 617360.

Submission:

MVZ Medizinische Genetik Mainz
Classification: Pathogenic for Congenital heart defects, dysmorphic facial features, and intellectual developmental disorder. Last evaluated: 2023-12-19. Review status: criteria provided, single submitter. Criteria: UK Practice Guidelines For Variant Classification V4 01 2020. Collection method: clinical testing. Allele origin: germline. Inheritance: Autosomal dominant inheritance. Affected: yes. Observed: 1 variant allele.
Comment: ACMG Criteria: PVS1,PM2_SUP